The following is an entry in ClinVar:

NM_206965.2(FTCD):c.1465A>T (p.Met489Leu)

Gene: FTCD (formimidoyltransferase cyclodeaminase; minus strand). Cytogenetic location: 21q22.3.
Variant type: single nucleotide variant.
Coding change: c.1465A>T on transcript NM_206965.2 (MANE Select); coding-DNA position 1465, A replaced by T.
Protein change: p.Met489Leu; replaces methionine 489 with leucine.
Molecular consequence: missense variant.
Genome position (GRCh38, 1-based): chr21:46,137,313, T>A on the plus strand (A>T on the coding strand, the complement: FTCD is on the minus strand). VCF-style: chr21-46137313-T-A. GRCh37 (hg19) VCF-style: chr21-47557227-T-A.
Other names: c.1465A>T, p.Met489Leu (NM_001320412.2, NM_006657.3); short protein forms M489L.
Identifiers: ClinVar variation 1957014 (VCV001957014.5), dbSNP rs757551172, ClinGen allele CA410557586.
Genomic context (GRCh38, chr21:46,137,313, plus strand): 5'-CCTCGTCTGTGATGTCCCTCAGGTTGATGAGCACGTTGAAATATGCGCCAAACACGCCCA[T>A]CTCCAGGGCTTTGGCCGCCACCTGCAAGGACCCCAGGGAGCCCCTACATGGATCAAGGCT-3'
Protein context (NP_996848.1, residues 479-499): DLQVAAKALE[Met489Leu]GVFGAYFNVL

ClinVar aggregate classification (germline): Uncertain significance (1 of 4 stars; one submission).

Conditions:
Glutamate formiminotransferase deficiency. Also called: Formiminoglutamic aciduria; Arakawa syndrome 1. Identifiers: Orphanet 51208, MedGen C0268609, MONDO:0009240, OMIM 229100.

Submission:

Labcorp Genetics (formerly Invitae), Labcorp
Classification: Uncertain significance for Glutamate formiminotransferase deficiency. Last evaluated: 2022-03-12. Review status: criteria provided, single submitter. Criteria: Invitae Variant Classification Sherloc (09022015). Collection method: clinical testing. Allele origin: germline.
Comment: This sequence change replaces methionine, which is neutral and non-polar, with leucine, which is neutral and non-polar, at codon 489 of the FTCD protein (p.Met489Leu). In summary, the available evidence is currently insufficient to determine the role of this variant in disease. Therefore, it has been classified as a Variant of Uncertain Significance. Algorithms developed to predict the effect of missense changes on protein structure and function (SIFT, PolyPhen-2, Align-GVGD) all suggest that this variant is likely to be tolerated. This variant has not been reported in the literature in individuals affected with FTCD-related conditions. This variant is not present in population databases (gnomAD no frequency).